The following is an entry in ClinVar:

ClinVar aggregate classification (germline): Uncertain significance (1 of 4 stars; one submission).

Submission:

Labcorp Genetics (formerly Invitae), Labcorp
Classification: Uncertain significance. Last evaluated: 2025-02-11. Review status: criteria provided, single submitter. Criteria: Invitae Variant Classification Sherloc (09022015). Collection method: clinical testing. Allele origin: germline.
Comment: This sequence change replaces isoleucine, which is neutral and non-polar, with valine, which is neutral and non-polar, at codon 119 of the KDM2A protein (p.Ile119Val). This variant is not present in population databases (gnomAD no frequency). This variant has not been reported in the literature in individuals affected with KDM2A-related conditions. An algorithm developed to predict the effect of missense changes on protein structure and function (PolyPhen-2) suggests that this variant is likely to be tolerated. In summary, the available evidence is currently insufficient to determine the role of this variant in disease. Therefore, it has been classified as a Variant of Uncertain Significance.

NM_012308.3(KDM2A):c.355A>G (p.Ile119Val)

Gene: KDM2A (lysine demethylase 2A; plus strand). Cytogenetic location: 11q13.2.
Variant type: single nucleotide variant.
Coding change: c.355A>G on transcript NM_012308.3 (MANE Select); coding-DNA position 355, A replaced by G.
Protein change: p.Ile119Val; replaces isoleucine 119 with valine.
Molecular consequence: missense variant. On other transcripts: non-coding transcript variant (1).
Genome position (GRCh38, 1-based): chr11:67,207,557, A>G. VCF-style: chr11-67207557-A-G. GRCh37 (hg19) VCF-style: chr11-66975028-A-G.
Other names: short protein forms I119V.
Identifiers: ClinVar variation 4799546 (VCV004799546.1).